The following is an entry in ClinVar:

NC_000001.11:g.(?_237666502)_(237794007_?)del

Genes: RYR2 (ryanodine receptor 2; plus strand), LOC126806068 (BRD4-independent group 4 enhancer GRCh37_chr1:237947411-237948610; plus strand). Cytogenetic location: 1q43.
Variant type: Deletion.
Identifiers: ClinVar variation 656302 (VCV000656302.8).

ClinVar aggregate classification (germline): Uncertain significance. Review status: criteria provided, single submitter (1 of 4 stars). 2 submissions from 1 submitter: Uncertain significance (2). Last evaluated 2022-03-19.

Conditions:
Catecholaminergic polymorphic ventricular tachycardia 1. Also called: RYR2-Related Catecholaminergic Polymorphic Ventricular Tachycardia; VENTRICULAR TACHYCARDIA, CATECHOLAMINERGIC POLYMORPHIC, 1, WITH OR WITHOUT ATRIAL DYSFUNCTION AND/OR DILATED CARDIOMYOPATHY; VENTRICULAR TACHYCARDIA, STRESS-INDUCED POLYMORPHIC 1. Identifiers: Orphanet 3286, MedGen C1631597, MONDO:0011484, OMIM 604772.
Catecholaminergic polymorphic ventricular tachycardia (CVPT). Also called: Catecholamine-induced polymorphic ventricular tachycardia. Identifiers: Orphanet 3286, MedGen C5574922, MONDO:0017990.

Submissions (2):

Labcorp Genetics (formerly Invitae), Labcorp
Classification: Uncertain significance for Catecholaminergic polymorphic ventricular tachycardia 1. Last evaluated: 2022-03-19. Review status: criteria provided, single submitter. Criteria: Invitae Variant Classification Sherloc (09022015). Collection method: clinical testing. Allele origin: germline.
Comment: In summary, the available evidence is currently insufficient to determine the role of this variant in disease. Therefore, it has been classified as a Variant of Uncertain Significance. Experimental studies and prediction algorithms are not available or were not evaluated, and the functional significance of this variant is currently unknown. This variant has not been reported in the literature in individuals affected with RYR2-related conditions. This variant is a gross deletion of the genomic region encompassing exon(s) 57-95 of the RYR2 gene. This variant would be expected to be in-frame, preserving the integrity of the reading frame.

Labcorp Genetics (formerly Invitae), Labcorp
Classification: Uncertain significance for Catecholaminergic polymorphic ventricular tachycardia. Last evaluated: 2018-11-16. Review status: criteria provided, single submitter. Criteria: Invitae Variant Classification Sherloc (09022015). Collection method: clinical testing. Allele origin: germline.
Comment: This variant is an in-frame deletion of the genomic region encompassing exons 57-95 of the RYR2 gene. It preserves the integrity of the reading frame. This variant has not been reported in the literature in individuals with RYR2-related disease. Experimental studies and prediction algorithms are not available for this variant, and the functional significance of the affected amino acid(s) is currently unknown. In summary, the available evidence is currently insufficient to determine the role of this variant in disease. Therefore, it has been classified as a Variant of Uncertain Significance.